The following is an entry in ClinVar:

ClinVar aggregate classification (germline): Uncertain significance (1 of 4 stars; one submission).

Conditions:
Werner syndrome (WRN). Identifiers: Orphanet 902, MedGen C0043119, MONDO:0010196, OMIM 277700.

Submission:

Labcorp Genetics (formerly Invitae), Labcorp
Classification: Uncertain significance for Werner syndrome. Last evaluated: 2024-09-06. Review status: criteria provided, single submitter. Criteria: Invitae Variant Classification Sherloc (09022015). Collection method: clinical testing. Allele origin: germline.
Comment: This sequence change replaces threonine, which is neutral and polar, with asparagine, which is neutral and polar, at codon 1417 of the WRN protein (p.Thr1417Asn). This variant is not present in population databases (gnomAD no frequency). This variant has not been reported in the literature in individuals affected with WRN-related conditions. ClinVar contains an entry for this variant (Variation ID: 1043704). An algorithm developed to predict the effect of missense changes on protein structure and function (PolyPhen-2) suggests that this variant is likely to be tolerated. In summary, the available evidence is currently insufficient to determine the role of this variant in disease. Therefore, it has been classified as a Variant of Uncertain Significance.

NM_000553.6(WRN):c.4250C>A (p.Thr1417Asn)

Genes: WRN (WRN RecQ like helicase; plus strand), LOC126860342 (MED14-independent group 3 enhancer GRCh37_chr8:31029565-31030764; plus strand). Cytogenetic location: 8p12.
Variant type: single nucleotide variant.
Coding change: c.4250C>A on transcript NM_000553.6 (MANE Select); coding-DNA position 4250, C replaced by A.
Protein change: p.Thr1417Asn; replaces threonine 1417 with asparagine.
Molecular consequence: missense variant.
Genome position (GRCh38, 1-based): chr8:31,173,053, C>A. VCF-style: chr8-31173053-C-A. GRCh37 (hg19) VCF-style: chr8-31030569-C-A.
Other names: short protein forms T1417N.
Identifiers: ClinVar variation 1043704 (VCV001043704.3), dbSNP rs1804163340, ClinGen allele CA370911756.
Genomic context (GRCh38, chr8:31,173,053, plus strand): 5'-AGACTTCATCTGCAGAGAGAAAGAGACGATTACCTGTGTGGTTTGCCAAAGGAAGTGATA[C>A]CAGCAAGAAATTAATGGACAAAACGAAAAGGGGAGGTCTTTTTAGTTAAGCTGGCAATTA-3'
Protein context (NP_000544.2, residues 1407-1427): LPVWFAKGSD[Thr1417Asn]SKKLMDKTKR